The following is an entry in ClinVar:

NM_001367561.1(DOCK7):c.1047C>T (p.Val349=)

Gene: DOCK7 (dedicator of cytokinesis 7; minus strand). Cytogenetic location: 1p31.3.
Variant type: single nucleotide variant.
Coding change: c.1047C>T on transcript NM_001367561.1 (MANE Select); coding-DNA position 1047, C replaced by T.
Protein change: p.Val349=; no amino-acid change (valine 349 retained).
Molecular consequence: synonymous variant.
Genome position (GRCh38, 1-based): chr1:62,633,567, G>A on the plus strand (C>T on the coding strand, the complement: DOCK7 is on the minus strand). VCF-style: chr1-62633567-G-A. GRCh37 (hg19) VCF-style: chr1-63099238-G-A.
Other names: c.1047C>T, p.Val349= (NM_001271999.2, NM_001272000.2, NM_001272001.2 and 3 more transcripts).
Identifiers: ClinVar variation 475121 (VCV000475121.56), dbSNP rs139793443, ClinGen allele CA887042.

ClinVar aggregate classification (germline): Benign/Likely benign. Review status: criteria provided, multiple submitters, no conflicts (2 of 4 stars). 8 submissions from 8 submitters: Benign (4); Likely benign (4). Last evaluated 2026-07-01.

Conditions:
Developmental and epileptic encephalopathy, 23 (DEE23). Also called: Epileptic encephalopathy, early infantile, 23. Identifiers: Orphanet 411986, MedGen C4014492, MONDO:0014371, OMIM 615859.

Allele frequency attached by ClinVar (database versions not stated): 1000 Genomes Project 0.00120; 1000 Genomes Project 30x 0.00141; gnomAD 0.00290; TOPMed 0.00311; ESP Exome Variant Server 0.00331.
gnomAD v4.1: 6,862 of 1,611,876 alleles (0.43%); highest among the groups gnomAD compares: Non-Finnish European, 0.52%; 18 homozygotes.

Submissions (8):

CeGaT Center for Human Genetics Tuebingen
Classification: Likely benign. Last evaluated: 2026-07-01. Review status: criteria provided, single submitter. Criteria: CeGaT Center For Human Genetics Tuebingen Variant Classification Criteria Version 2. Collection method: clinical testing. Allele origin: germline. Affected: yes. Observed: 25 variant alleles.
Comment: DOCK7: BP4, BP7, BS2

Labcorp Genetics (formerly Invitae), Labcorp
Classification: Benign for Developmental and epileptic encephalopathy, 23. Last evaluated: 2026-02-02. Review status: criteria provided, single submitter. Criteria: Invitae Variant Classification Sherloc (09022015). Collection method: clinical testing. Allele origin: germline.

ARUP Laboratories, Molecular Genetics and Genomics, ARUP Laboratories
Classification: Benign for Developmental and epileptic encephalopathy, 23. Last evaluated: 2025-03-06. Review status: criteria provided, single submitter. Criteria: ARUP Molecular Germline Variant Investigation Process 2024. Collection method: clinical testing. Allele origin: germline.

Blueprint Genetics
Classification: Likely benign. Last evaluated: 2024-11-11. Review status: criteria provided, single submitter. Criteria: ACMG Guidelines, 2015. Collection method: clinical testing. Allele origin: germline.

Athena Diagnostics
Classification: Benign. Last evaluated: 2024-02-01. Review status: criteria provided, single submitter. Criteria: Athena Diagnostics Criteria. Collection method: clinical testing. Allele origin: unknown.

Genome-Nilou Lab
Classification: Benign for Developmental and epileptic encephalopathy, 23. Last evaluated: 2023-04-11. Review status: criteria provided, single submitter. Criteria: ACMG Guidelines, 2015. Collection method: clinical testing. Allele origin: germline. Affected: no.

GeneDx
Classification: Likely benign. Last evaluated: 2021-04-22. Review status: criteria provided, single submitter. Criteria: GeneDx Variant Classification Process June 2021. Collection method: clinical testing. Allele origin: germline. Affected: yes.

Breakthrough Genomics
Classification: Likely benign. Review status: criteria provided, single submitter. Criteria: ACMG Guidelines, 2015. Collection method: not provided. Allele origin: germline. Inheritance: Autosomal recessive inheritance. Affected: yes.